The following is an entry in ClinVar:

NM_004655.4(AXIN2):c.746G>C (p.Gly249Ala)

Gene: AXIN2 (axin 2; minus strand). Cytogenetic location: 17q24.1.
Variant type: single nucleotide variant.
Coding change: c.746G>C on transcript NM_004655.4 (MANE Select); coding-DNA position 746, G replaced by C.
Protein change: p.Gly249Ala; replaces glycine 249 with alanine.
Molecular consequence: missense variant.
Genome position (GRCh38, 1-based): chr17:65,557,875, C>G on the plus strand (G>C on the coding strand, the complement: AXIN2 is on the minus strand). VCF-style: chr17-65557875-C-G. GRCh37 (hg19) VCF-style: chr17-63553993-C-G.
Other names: c.746G>C, p.Gly249Ala (NM_001363813.1); short protein forms G249A.
Identifiers: ClinVar variation 1994199 (VCV001994199.6), dbSNP rs2144582419, ClinGen allele CA400680362.

ClinVar aggregate classification (germline): Uncertain significance. Review status: criteria provided, multiple submitters, no conflicts (2 of 4 stars). 2 submissions from 2 submitters: Uncertain significance (2). Last evaluated 2025-11-26.

Conditions:
Hereditary cancer-predisposing syndrome. Also called: Tumor predisposition; Hereditary Cancer Syndrome; Hereditary neoplastic syndrome; Neoplastic Syndromes, Hereditary. Identifiers: Orphanet 140162, MedGen C0027672, MeSH D009386, MONDO:0015356.
Oligodontia-cancer predisposition syndrome. Also called: TOOTH AGENESIS-COLORECTAL CANCER SYNDROME. Identifiers: Orphanet 300576, MedGen C1837750, MONDO:0012075, OMIM 608615. Disease mechanism: loss of function.

Submissions (2):

Ambry Genetics
Classification: Uncertain significance for Hereditary cancer-predisposing syndrome. Last evaluated: 2025-11-26. Review status: criteria provided, single submitter. Criteria: Ambry Variant Classification Scheme 2023. Collection method: clinical testing. Allele origin: germline.
Comment: The p.G249A variant (also known as c.746G>C), located in coding exon 1 of the AXIN2 gene, results from a G to C substitution at nucleotide position 746. The glycine at codon 249 is replaced by alanine, an amino acid with similar properties. This amino acid position is conserved. In addition, this alteration is predicted to be tolerated by in silico analysis. Based on the available evidence, the clinical significance of this variant remains unclear.

Labcorp Genetics (formerly Invitae), Labcorp
Classification: Uncertain significance for Oligodontia-cancer predisposition syndrome. Last evaluated: 2022-05-14. Review status: criteria provided, single submitter. Criteria: Invitae Variant Classification Sherloc (09022015). Collection method: clinical testing. Allele origin: germline.
Comment: In summary, the available evidence is currently insufficient to determine the role of this variant in disease. Therefore, it has been classified as a Variant of Uncertain Significance. Algorithms developed to predict the effect of missense changes on protein structure and function (SIFT, PolyPhen-2, Align-GVGD) all suggest that this variant is likely to be disruptive. This variant has not been reported in the literature in individuals affected with AXIN2-related conditions. This variant is not present in population databases (gnomAD no frequency). This sequence change replaces glycine, which is neutral and non-polar, with alanine, which is neutral and non-polar, at codon 249 of the AXIN2 protein (p.Gly249Ala).